The following is an entry in ClinVar:

NM_001330260.2(SCN8A):c.5391C>T (p.Pro1797=)

Gene: SCN8A (sodium voltage-gated channel alpha subunit 8; plus strand). Cytogenetic location: 12q13.13.
Variant type: single nucleotide variant.
Coding change: c.5391C>T on transcript NM_001330260.2 (MANE Select); coding-DNA position 5391, C replaced by T.
Protein change: p.Pro1797=; no amino-acid change (proline 1797 retained).
Molecular consequence: synonymous variant.
Genome position (GRCh38, 1-based): chr12:51,806,877, C>T. VCF-style: chr12-51806877-C-T. GRCh37 (hg19) VCF-style: chr12-52200661-C-T.
Other names: c.5268C>T, p.Pro1756= (NM_001177984.3, NM_001369788.1); c.5391C>T, p.Pro1797= (NM_014191.4).
Identifiers: ClinVar variation 378562 (VCV000378562.51), dbSNP rs372155701, ClinGen allele CA6571915.

ClinVar aggregate classification (germline): Benign/Likely benign. Review status: criteria provided, multiple submitters, no conflicts (2 of 4 stars). 3 submissions from 3 submitters: Benign (1); Likely benign (2). Last evaluated 2025-12-08.

Conditions:
Early-infantile DEE. Also called: Ohtahara syndrome; Early infantile epileptic encephalopathy with suppression bursts; Early infantile epileptic encephalopathy. Identifiers: Orphanet 1934, MedGen C0393706, MONDO:0800491.

Allele frequency attached by ClinVar (database versions not stated): gnomAD 0.00001; ExAC 0.00002; gnomAD exomes 0.00002; TOPMed 0.00002; ESP Exome Variant Server 0.00008.

Submissions (3):

Labcorp Genetics (formerly Invitae), Labcorp
Classification: Likely benign for Early-infantile DEE. Last evaluated: 2025-12-08. Review status: criteria provided, single submitter. Criteria: Invitae Variant Classification Sherloc (09022015). Collection method: clinical testing. Allele origin: germline.

CeGaT Center for Human Genetics Tuebingen
Classification: Likely benign. Last evaluated: 2022-12-01. Review status: criteria provided, single submitter. Criteria: CeGaT Center For Human Genetics Tuebingen Variant Classification Criteria Version 2. Collection method: clinical testing. Allele origin: germline. Affected: yes. Observed: 2 variant alleles.
Comment: SCN8A: BP4, BP7

GeneDx
Classification: Benign. Last evaluated: 2015-09-18. Review status: criteria provided, single submitter. Criteria: GeneDx Variant Classification (06012015). Collection method: clinical testing. Allele origin: germline. Affected: yes.
Comment: This variant is considered likely benign or benign based on one or more of the following criteria: it is a conservative change, it occurs at a poorly conserved position in the protein, it is predicted to be benign by multiple in silico algorithms, and/or has population frequency not consistent with disease.